The following is an entry in ClinVar:

NM_020937.4(FANCM):c.5901TAA[1] (p.Asn1968del)

Gene: FANCM (FA complementation group M; plus strand). Cytogenetic location: 14q21.2.
Variant type: Microsatellite.
Coding change: c.5901TAA[1] on transcript NM_020937.4 (MANE Select); one copy of the 3-base unit TAA starting at c.5901; the reference has two copies in a row; one copy, 3 bases deleted.
Protein change: p.Asn1968del; deletes asparagine 1968.
Molecular consequence: inframe deletion.
Genome position (GRCh38, 1-based): chr14:45,198,831-45,198,833, TAA deleted; deleting any 3 consecutive bases within chr14:45,198,828-45,198,833 gives the same sequence; the position shown is the placement nearest the transcript's 3' end. VCF-style (leftmost placement, unchanged base first): chr14-45198827-GTAA-G. GRCh37 (hg19) VCF-style: chr14-45668030-GTAA-G.
Other names: c.5823TAA[1], p.Asn1942del (NM_001308133.2); short protein forms N1968del, N1942del.
Identifiers: ClinVar variation 942327 (VCV000942327.9), dbSNP rs1890214050, ClinGen allele CA2133624544.

ClinVar aggregate classification (germline): Uncertain significance (1 of 4 stars; one submission).

Conditions:
Fanconi anemia (FA). Also called: Fanconi's anemia. Identifiers: Orphanet 84, MedGen C0015625, MeSH D005199, MONDO:0019391.

Submission:

Labcorp Genetics (formerly Invitae), Labcorp
Classification: Uncertain significance for Fanconi anemia. Last evaluated: 2022-05-21. Review status: criteria provided, single submitter. Criteria: Invitae Variant Classification Sherloc (09022015). Collection method: clinical testing. Allele origin: germline.
Comment: This variant has not been reported in the literature in individuals affected with FANCM-related conditions. In summary, the available evidence is currently insufficient to determine the role of this variant in disease. Therefore, it has been classified as a Variant of Uncertain Significance. Experimental studies and prediction algorithms are not available or were not evaluated, and the functional significance of this variant is currently unknown. ClinVar contains an entry for this variant (Variation ID: 942327). This variant is not present in population databases (gnomAD no frequency). This variant, c.5904_5906del, results in the deletion of 1 amino acid(s) of the FANCM protein (p.Asn1968del), but otherwise preserves the integrity of the reading frame.